The following is an entry in ClinVar:

NM_001308093.3(GATA4):c.1078G>T (p.Glu360Ter)

Gene: GATA4 (GATA binding protein 4). Cytogenetic location: 8p23.1.
Variant type: single nucleotide variant.
Coding change: c.1078G>T on transcript NM_001308093.3 (MANE Select); coding-DNA position 1078, G replaced by T.
Protein change: p.Glu360Ter; replaces glutamic acid 360 with a stop codon.
Molecular consequence: nonsense.
Genome position (GRCh38, 1-based): chr8:11,757,012, G>T. VCF-style: chr8-11757012-G-T. GRCh37 (hg19) VCF-style: chr8-11614521-G-T.
Other names: c.457G>T, p.Glu153Ter (NM_001308094.2, NM_001374273.1); c.331G>T, p.Glu111Ter (NM_001374274.1); c.1075G>T, p.Glu359Ter (NM_002052.5); short protein forms E153*, E359*, E360*, E111*.
Identifiers: ClinVar variation 967905 (VCV000967905.7), dbSNP rs368489876, ClinGen allele CA370315370.

ClinVar aggregate classification (germline): Pathogenic (1 of 4 stars; one submission).

Conditions:
Atrioventricular septal defect 4 (AVSD4). Identifiers: MedGen C3280781, MONDO:0013747, OMIM 614430.

Submission:

Labcorp Genetics (formerly Invitae), Labcorp
Classification: Pathogenic for Atrioventricular septal defect 4. Last evaluated: 2022-11-29. Review status: criteria provided, single submitter. Criteria: Invitae Variant Classification Sherloc (09022015). Collection method: clinical testing. Allele origin: germline.
Comment: For these reasons, this variant has been classified as Pathogenic. ClinVar contains an entry for this variant (Variation ID: 967905). This variant has not been reported in the literature in individuals affected with GATA4-related conditions. This variant is not present in population databases (gnomAD no frequency). This sequence change creates a premature translational stop signal (p.Glu359*) in the GATA4 gene. It is expected to result in an absent or disrupted protein product. Loss-of-function variants in GATA4 are known to be pathogenic (PMID: 12845333, 15235040).

Literature cited by the submitters: PubMed 12845333; PubMed 15235040.